The following is an entry in ClinVar:

NM_001029896.2(WDR45):c.827+1G>T

Gene: WDR45 (WD repeat domain 45; minus strand). Cytogenetic location: Xp11.23.
Variant type: single nucleotide variant.
Coding change: c.827+1G>T on transcript NM_001029896.2 (MANE Select); the canonical splice donor site of the intron after coding-DNA position 827, G replaced by T.
Molecular consequence: splice donor variant.
Genome position (GRCh38, 1-based): chrX:49,075,363, C>A on the plus strand (G>T on the coding strand, the complement: WDR45 is on the minus strand). VCF-style: chrX-49075363-C-A. GRCh37 (hg19) VCF-style: chrX-48933022-C-A.
Other names: c.830+1G>T (NM_007075.4).
Identifiers: ClinVar variation 803997 (VCV000803997.5), dbSNP rs1557083958, ClinGen allele CA412942567.

ClinVar aggregate classification (germline): Pathogenic/Likely pathogenic. Review status: criteria provided, multiple submitters, no conflicts (2 of 4 stars). 3 submissions from 3 submitters: Pathogenic (2); Likely pathogenic (1). Last evaluated 2023-02-23.

Conditions:
Neurodegeneration with brain iron accumulation 5 (NBIA5). Also called: STATIC ENCEPHALOPATHY OF CHILDHOOD WITH NEURODEGENERATION IN ADULTHOOD; Beta-propeller protein-associated neurodegeneration. Identifiers: Orphanet 329284, MedGen C3550973, MONDO:0010476, OMIM 300894.

Submissions (3):

3billion
Classification: Pathogenic for Neurodegeneration with brain iron accumulation 5. Last evaluated: 2023-02-23. Review status: criteria provided, single submitter. Criteria: ACMG Guidelines, 2015. Collection method: clinical testing. Allele origin: unknown. Affected: yes.
Comment: The variant is not observed in the gnomAD v2.1.1 dataset. This variant was predicted to alter splicing and result in a loss or disruption of normal protein function. Multiple pathogenic loss-of-function variants are reported downstream of the variant. The variant has been reported to be associated with WDR45 related disorder (ClinVar ID: VCV000803997). Therefore, this variant is classified as Pathogenic according to the recommendation of ACMG/AMP guideline.

Revvity Omics, Revvity
Classification: Likely pathogenic for Neurodegeneration with brain iron accumulation 5. Last evaluated: 2022-07-29. Review status: criteria provided, single submitter. Criteria: ACMG Guidelines, 2015. Collection method: clinical testing. Allele origin: germline.

Mendelics
Classification: Pathogenic for Neurodegeneration with brain iron accumulation 5. Last evaluated: 2019-05-28. Review status: criteria provided, single submitter. Criteria: Mendelics Assertion Criteria 2017. Collection method: clinical testing. Allele origin: unknown.